The following is an entry in ClinVar:

NM_001330078.2(NRXN1):c.4338T>C (p.Leu1446=)

Gene: NRXN1 (neurexin 1; minus strand). Cytogenetic location: 2p16.3.
Variant type: single nucleotide variant.
Coding change: c.4338T>C on transcript NM_001330078.2 (MANE Select); coding-DNA position 4338, T replaced by C.
Protein change: p.Leu1446=; no amino-acid change (leucine 1446 retained).
Molecular consequence: synonymous variant.
Genome position (GRCh38, 1-based): chr2:49,922,130, A>G on the plus strand (T>C on the coding strand, the complement: NRXN1 is on the minus strand). VCF-style: chr2-49922130-A-G. GRCh37 (hg19) VCF-style: chr2-50149268-A-G.
Other names: p.L1486L:CTT>CTC; c.4128T>C, p.Leu1376= (NM_001330096.2); c.1134T>C, p.Leu378= (NM_001330097.2); c.4248T>C, p.Leu1416= (NM_004801.6); c.1143T>C, p.Leu381= (NM_138735.5); c.4458T>C, p.Leu1486= (NM_001135659.3); c.243T>C, p.Leu81= (NM_001320156.4); c.234T>C, p.Leu78= (NM_001320157.4); and 13 more.
Identifiers: ClinVar variation 206197 (VCV000206197.8), dbSNP rs796052759, ClinGen allele CA316049.
Genomic context (GRCh38, chr2:49,922,130, plus strand): 5'-GTCCACATGGTATGAGCCTTCATCCCGGTTTCTGTACTTGTACATGGCATAGAGGAGGAT[A>G]AGGATGCACAGGGCGGCAGCGGCTACTATCCCAACGACCATACCCGTGGTGCTGCTGGAC-3'
Protein context (NP_001317007.1, residues 1436-1456): GIVAAAALCI[Leu1446=]ILLYAMYKYR

ClinVar aggregate classification (germline): Benign/Likely benign. Review status: criteria provided, multiple submitters, no conflicts (2 of 4 stars). 2 submissions from 2 submitters: Benign (1); Likely benign (1). Last evaluated 2022-12-04.

Conditions:
Pitt-Hopkins-like syndrome 2 (PTHSL2). Identifiers: Orphanet 221150, Orphanet 600663, MedGen C3280479, MONDO:0013690, OMIM 614325.

Allele frequency attached by ClinVar (database versions not stated): gnomAD 0.00001; gnomAD exomes 0.00001; TOPMed 0.00001.
gnomAD v4.1: 9 of 1,614,006 alleles (0.00056%); highest among the groups gnomAD compares: Non-Finnish European, 0.00076%; no homozygotes.

Submissions (2):

Labcorp Genetics (formerly Invitae), Labcorp
Classification: Likely benign for Pitt-Hopkins-like syndrome 2. Last evaluated: 2022-12-04. Review status: criteria provided, single submitter. Criteria: Invitae Variant Classification Sherloc (09022015). Collection method: clinical testing. Allele origin: germline.

GeneDx
Classification: Benign. Last evaluated: 2015-01-15. Review status: criteria provided, single submitter. Criteria: GeneDx Variant Classification (06012015). Collection method: clinical testing. Allele origin: germline. Affected: yes.
Comment: This variant is considered likely benign or benign based on one or more of the following criteria: it is a conservative change, it occurs at a poorly conserved position in the protein, it is predicted to be benign by multiple in silico algorithms, and/or has population frequency not consistent with disease.